The following is an entry in ClinVar:

ClinVar aggregate classification (germline): Conflicting classifications of pathogenicity. Review status: criteria provided, conflicting classifications (1 of 4 stars). 2 submissions from 2 submitters: Uncertain significance (1); Likely benign (1). Last evaluated 2025-01-20.

Conditions:
Hereditary cancer-predisposing syndrome. Also called: Tumor predisposition; Hereditary Cancer Syndrome; Hereditary neoplastic syndrome; Neoplastic Syndromes, Hereditary. Identifiers: Orphanet 140162, MedGen C0027672, MeSH D009386, MONDO:0015356.
Retinoblastoma (RB1). Also called: RETINOBLASTOMA, SOMATIC. Identifiers: Orphanet 790, MedGen C0035335, MeSH D012175, MONDO:0008380, OMIM 180200, HP:0009919. Disease mechanism: loss of function. Inheritance: Both sporadic and heritable forms are tested..

Allele frequency attached by ClinVar (database versions not stated): gnomAD exomes below 0.00001.
gnomAD v4.1: 2 of 1,610,562 alleles (0.00012%); highest among the groups gnomAD compares: Non-Finnish European, 0.000085%; no homozygotes.

Submissions (2):

Ambry Genetics
Classification: Likely benign for Hereditary cancer-predisposing syndrome. Last evaluated: 2025-01-20. Review status: criteria provided, single submitter. Criteria: Ambry Variant Classification Scheme 2023. Collection method: clinical testing. Allele origin: germline.

Labcorp Genetics (formerly Invitae), Labcorp
Classification: Uncertain significance for Retinoblastoma. Last evaluated: 2021-12-17. Review status: criteria provided, single submitter. Criteria: Invitae Variant Classification Sherloc (09022015). Collection method: clinical testing. Allele origin: germline.
Comment: This sequence change replaces glutamic acid, which is acidic and polar, with lysine, which is basic and polar, at codon 204 of the RB1 protein (p.Glu204Lys). This variant is present in population databases (no rsID available, gnomAD 0.0009%). This variant has not been reported in the literature in individuals affected with RB1-related conditions. Algorithms developed to predict the effect of missense changes on protein structure and function output the following: SIFT: "Tolerated"; PolyPhen-2: "Benign"; Align-GVGD: "Class C0". The lysine amino acid residue is found in multiple mammalian species, which suggests that this missense change does not adversely affect protein function. In summary, the available evidence is currently insufficient to determine the role of this variant in disease. Therefore, it has been classified as a Variant of Uncertain Significance.

NM_000321.3(RB1):c.610G>A (p.Glu204Lys)

Gene: RB1 (RB transcriptional corepressor 1; plus strand). Cytogenetic location: 13q14.2.
Variant type: single nucleotide variant.
Coding change: c.610G>A on transcript NM_000321.3 (MANE Select); coding-DNA position 610, G replaced by A.
Protein change: p.Glu204Lys; replaces glutamic acid 204 with lysine.
Molecular consequence: missense variant.
Genome position (GRCh38, 1-based): chr13:48,360,019, G>A. VCF-style: chr13-48360019-G-A. GRCh37 (hg19) VCF-style: chr13-48934155-G-A.
Other names: c.610G>A (NM_000321.2); short protein forms E204K.
Identifiers: ClinVar variation 1466938 (VCV001466938.7), dbSNP rs1340261233, ClinGen allele CA388158089.